The following is an entry in ClinVar:

ClinVar aggregate classification (germline): Uncertain significance (1 of 4 stars; one submission).

Conditions:
Hereditary cancer-predisposing syndrome. Also called: Tumor predisposition; Neoplastic Syndromes, Hereditary; Hereditary neoplastic syndrome; Hereditary Cancer Syndrome. Identifiers: Orphanet 140162, MedGen C0027672, MeSH D009386, MONDO:0015356.

Submission:

Ambry Genetics
Classification: Uncertain significance for Hereditary cancer-predisposing syndrome. Last evaluated: 2025-08-27. Review status: criteria provided, single submitter. Criteria: Ambry Variant Classification Scheme 2023. Collection method: clinical testing. Allele origin: germline.
Comment: The p.C505F variant (also known as c.1514G>T), located in coding exon 15 of the MUTYH gene, results from a G to T substitution at nucleotide position 1514. The cysteine at codon 505 is replaced by phenylalanine, an amino acid with highly dissimilar properties. This amino acid position is conserved. In addition, this alteration is predicted to be tolerated by in silico analysis. Based on the available evidence, the clinical significance of this variant remains unclear.

NM_001048174.2(MUTYH):c.1430G>T (p.Cys477Phe)

Gene: MUTYH (mutY DNA glycosylase; minus strand). Cytogenetic location: 1p34.1.
Variant type: single nucleotide variant.
Coding change: c.1430G>T on transcript NM_001048174.2 (MANE Select); coding-DNA position 1430, G replaced by T.
Protein change: p.Cys477Phe; replaces cysteine 477 with phenylalanine.
Molecular consequence: missense variant. On other transcripts: non-coding transcript variant (7).
Genome position (GRCh38, 1-based): chr1:45,330,520, C>A on the plus strand (G>T on the coding strand, the complement: MUTYH is on the minus strand). VCF-style: chr1-45330520-C-A. GRCh37 (hg19) VCF-style: chr1-45796192-C-A.
Other names: c.1388G>T, p.Cys463Phe (NM_001407080.1); c.1430G>T, p.Cys477Phe (NM_001407081.1, NM_001407088.1, NM_001407089.1 and 6 more transcripts); c.1085G>T, p.Cys362Phe (NM_001407082.1, NM_001350650.2, NM_001350651.2); c.1472G>T, p.Cys491Phe (NM_001407083.1, NM_001407085.1); c.1433G>T, p.Cys478Phe (NM_001407086.1, NM_001407078.1, NM_001048172.2 and 1 more transcripts); c.1451G>T, p.Cys484Phe (NM_001407087.1); c.1154G>T, p.Cys385Phe (NM_001407091.1, NM_001293192.2, NM_001293196.2); c.1505G>T, p.Cys502Phe (NM_012222.3); and 5 more; short protein forms C449F, C463F, C464F, C478F, C484F, C385F, C492F, C502F.
Identifiers: ClinVar variation 4113308 (VCV004113308.1).